The following is an entry in ClinVar:

ClinVar aggregate classification (germline): Uncertain significance (1 of 4 stars; one submission).

Conditions:
Hereditary cancer-predisposing syndrome. Also called: Neoplastic Syndromes, Hereditary; Tumor predisposition; Hereditary Cancer Syndrome; Hereditary neoplastic syndrome. Identifiers: Orphanet 140162, MedGen C0027672, MeSH D009386, MONDO:0015356.

Submission:

Ambry Genetics
Classification: Uncertain significance for Hereditary cancer-predisposing syndrome. Last evaluated: 2026-04-04. Review status: criteria provided, single submitter. Criteria: Ambry Variant Classification Scheme 2023. Collection method: clinical testing. Allele origin: germline.
Comment: The p.M1100I variant (also known as c.3300G>A), located in coding exon 20 of the RET gene, results from a G to A substitution at nucleotide position 3300. The methionine at codon 1100 is replaced by isoleucine, an amino acid with highly similar properties. This amino acid position is conserved. In addition, the in silico prediction for this alteration is inconclusive. Based on the available evidence, the clinical significance of this variant remains unclear.

NM_020975.6(RET):c.3300G>A (p.Met1100Ile)

Gene: RET (ret proto-oncogene; plus strand). Cytogenetic location: 10q11.21.
Variant type: single nucleotide variant.
Coding change: c.3300G>A on transcript NM_020975.6 (MANE Select); coding-DNA position 3300, G replaced by A.
Protein change: p.Met1100Ile; replaces methionine 1100 with isoleucine.
Molecular consequence: missense variant. On other transcripts: 3 prime UTR variant (18), intron variant (3).
Genome position (GRCh38, 1-based): chr10:43,128,224, G>A. VCF-style: chr10-43128224-G-A. GRCh37 (hg19) VCF-style: chr10-43623672-G-A.
Other names: c.*1470G>A (NM_001406764.1, NM_001406765.1, NM_001406768.1 and 15 more transcripts); c.3012G>A, p.Met1004Ile (NM_001406766.1, NM_001406767.1); c.2904G>A, p.Met968Ile (NM_001406769.1); c.2862G>A, p.Met954Ile (NM_001406771.1); c.2574G>A, p.Met858Ile (NM_001406775.1); c.2514G>A, p.Met838Ile (NM_001406777.1); c.2403G>A, p.Met801Ile (NM_001406779.1, NM_001406780.1); c.2274G>A, p.Met758Ile (NM_001406783.1); and 10 more; short protein forms M1004I, M1055I, M1057I, M1080I, M1100I, M597I, M617I, M705I.
Identifiers: ClinVar variation 4863254 (VCV004863254.1).